The following is an entry in ClinVar:

NM_000203.5(IDUA):c.408C>T (p.Ala136=)

Gene: IDUA (alpha-L-iduronidase; plus strand). Cytogenetic location: 4p16.3.
Variant type: single nucleotide variant.
Coding change: c.408C>T on transcript NM_000203.5 (MANE Select); coding-DNA position 408, C replaced by T.
Protein change: p.Ala136=; no amino-acid change (alanine 136 retained).
Molecular consequence: synonymous variant. On other transcripts: non-coding transcript variant (1).
Genome position (GRCh38, 1-based): chr4:1,000,904, C>T. VCF-style: chr4-1000904-C-T. GRCh37 (hg19) VCF-style: chr4-994692-C-T.
Other names: c.12C>T, p.Ala4= (NM_001363576.1).
Identifiers: ClinVar variation 715273 (VCV000715273.48), dbSNP rs138195998, ClinGen allele CA2801916.

ClinVar aggregate classification (germline): Conflicting classifications of pathogenicity. Review status: criteria provided, conflicting classifications (1 of 4 stars). 8 submissions from 8 submitters: Uncertain significance (1); Likely benign (6). 1 of the submissions does not count toward it. Last evaluated 2026-01-28.

Conditions:
IDUA-related disorder. Also called: IDUA-related condition.
Mucopolysaccharidosis type 1. Also called: IDUA deficiency; MPS I; Mucopolysaccharidosis Type I. Identifiers: Orphanet 579, MedGen C0023786, MONDO:0001586.
Inborn genetic diseases. Identifiers: MedGen C0950123, MeSH D030342.

Allele frequency attached by ClinVar (database versions not stated): ESP Exome Variant Server 0.00062; gnomAD 0.00078 and 0.00081; TOPMed 0.00082.
gnomAD v4.1: 1,545 of 1,613,378 alleles (0.096%); highest among the groups gnomAD compares: Non-Finnish European, 0.12%; no homozygotes.

Submissions (8):

Labcorp Genetics (formerly Invitae), Labcorp
Classification: Likely benign for Mucopolysaccharidosis type 1. Last evaluated: 2026-01-28. Review status: criteria provided, single submitter. Criteria: Invitae Variant Classification Sherloc (09022015). Collection method: clinical testing. Allele origin: germline.

Laboratory of Genetics, Children's Clinical University Hospital Latvia
Classification: Likely benign. Last evaluated: 2025-02-16. Review status: criteria provided, single submitter. Criteria: ACMG Guidelines, 2015. Collection method: clinical testing. Allele origin: germline. Affected: yes.

PreventionGenetics, part of Exact Sciences
Classification: Likely benign for IDUA-related condition. Last evaluated: 2024-12-27. Review status: criteria provided, single submitter. Criteria: ACMG Guidelines, 2015. Collection method: clinical testing. Allele origin: germline.
Comment: This variant is classified as likely benign based on ACMG/AMP sequence variant interpretation guidelines (Richards et al. 2015 PMID: 25741868, with internal and published modifications).

Blueprint Genetics
Classification: Likely benign. Last evaluated: 2024-11-26. Review status: criteria provided, single submitter. Criteria: ACMG Guidelines, 2015. Collection method: clinical testing. Allele origin: germline.

CeGaT Center for Human Genetics Tuebingen
Classification: Likely benign. Last evaluated: 2024-03-01. Review status: criteria provided, single submitter. Criteria: CeGaT Center For Human Genetics Tuebingen Variant Classification Criteria Version 2. Collection method: clinical testing. Allele origin: germline. Affected: yes. Observed: 3 variant alleles.
Comment: IDUA: BP4, BP7

Ambry Genetics
Classification: Likely benign for Inborn genetic diseases. Last evaluated: 2022-12-31. Review status: criteria provided, single submitter. Criteria: Ambry Variant Classification Scheme 2023. Collection method: clinical testing. Allele origin: germline.

Illumina Laboratory Services, Illumina
Classification: Uncertain significance for Mucopolysaccharidosis type 1. Last evaluated: 2017-04-27. Review status: criteria provided, single submitter. Criteria: ICSL Variant Classification Criteria 13 December 2019. Collection method: clinical testing. Allele origin: germline.
Comment: This variant was observed as part of a predisposition screen in an ostensibly healthy population. A literature search was performed for the gene, cDNA change, and amino acid change (where applicable). Publications were found based on this search. However, the evidence from the literature, in combination with allele frequency data from public databases where available, was not sufficient to rule this variant in or out of causing disease. Therefore, this variant is classified as a variant of unknown significance.

Natera, Inc.
Classification: Likely benign for Mucopolysaccharidosis type I. Last evaluated: 2017-11-14. Review status: no assertion criteria provided. Collection method: clinical testing. Allele origin: germline. Not counted in ClinVar's aggregate classification.

Literature cited by the submitters: PubMed 21394825 (cited by Illumina Laboratory Services, Illumina).